The following is an entry in ClinVar:

NM_020975.6(RET):c.1792G>A (p.Glu598Lys)

Gene: RET (ret proto-oncogene; plus strand). Cytogenetic location: 10q11.21.
Variant type: single nucleotide variant.
Coding change: c.1792G>A on transcript NM_020975.6 (MANE Select); coding-DNA position 1792, G replaced by A.
Protein change: p.Glu598Lys; replaces glutamic acid 598 with lysine.
Molecular consequence: missense variant.
Genome position (GRCh38, 1-based): chr10:43,113,588, G>A. VCF-style: chr10-43113588-G-A. GRCh37 (hg19) VCF-style: chr10-43609036-G-A.
Other names: c.1792G>A, p.Glu598Lys (NM_000323.2, NM_001406743.1, NM_001406744.1 and 6 more transcripts); c.1030G>A, p.Glu344Lys (NM_001355216.2); c.1663G>A, p.Glu555Lys (NM_001406761.1, NM_001406762.1, NM_001406764.1 and 1 more transcripts); c.1504G>A, p.Glu502Lys (NM_001406766.1, NM_001406767.1, NM_001406770.1); c.1396G>A, p.Glu466Lys (NM_001406769.1, NM_001406772.1); c.1354G>A, p.Glu452Lys (NM_001406771.1, NM_001406773.1); c.1267G>A, p.Glu423Lys (NM_001406774.1); c.1066G>A, p.Glu356Lys (NM_001406775.1, NM_001406776.1, NM_001406777.1 and 1 more transcripts); and 5 more; short protein forms E598K, E344K, E115K, E203K, E268K, E356K, E502K, E256K.
Identifiers: ClinVar variation 1419374 (VCV001419374.8), dbSNP rs2132827786, ClinGen allele CA376552598.

ClinVar aggregate classification (germline): Uncertain significance. Review status: criteria provided, multiple submitters, no conflicts (2 of 4 stars). 2 submissions from 2 submitters: Uncertain significance (2). Last evaluated 2025-10-23.

Conditions:
Hereditary cancer-predisposing syndrome. Also called: Neoplastic Syndromes, Hereditary; Hereditary Cancer Syndrome; Hereditary neoplastic syndrome; Tumor predisposition. Identifiers: Orphanet 140162, MedGen C0027672, MeSH D009386, MONDO:0015356.
Multiple endocrine neoplasia, type 2 (MEN2). Identifiers: Orphanet 653, MedGen C4048306, MONDO:0019003. Disease mechanism: gain of function.

gnomAD v4.1: 3 of 1,611,502 alleles (0.00019%); highest among the groups gnomAD compares: Non-Finnish European, 0.00025%; no homozygotes.

Submissions (2):

Labcorp Genetics (formerly Invitae), Labcorp
Classification: Uncertain significance for Multiple endocrine neoplasia, type 2. Last evaluated: 2025-10-23. Review status: criteria provided, single submitter. Criteria: Invitae Variant Classification Sherloc (09022015). Collection method: clinical testing. Allele origin: germline.
Comment: This sequence change replaces glutamic acid, which is acidic and polar, with lysine, which is basic and polar, at codon 598 of the RET protein (p.Glu598Lys). This variant is not present in population databases (gnomAD no frequency). This variant has not been reported in the literature in individuals affected with RET-related conditions. ClinVar contains an entry for this variant (Variation ID: 1419374). An algorithm developed to predict the effect of missense changes on protein structure and function (PolyPhen-2) suggests that this variant is likely to be tolerated. In summary, the available evidence is currently insufficient to determine the role of this variant in disease. Therefore, it has been classified as a Variant of Uncertain Significance.

Ambry Genetics
Classification: Uncertain significance for Hereditary cancer-predisposing syndrome. Last evaluated: 2025-05-30. Review status: criteria provided, single submitter. Criteria: Ambry Variant Classification Scheme 2023. Collection method: clinical testing. Allele origin: germline.
Comment: The p.E598K variant (also known as c.1792G>A), located in coding exon 10 of the RET gene, results from a G to A substitution at nucleotide position 1792. The glutamic acid at codon 598 is replaced by lysine, an amino acid with similar properties. This amino acid position is not well conserved in available vertebrate species. In addition, the in silico prediction for this alteration is inconclusive. Based on the available evidence, the clinical significance of this variant remains unclear.